The following is an entry in ClinVar:

ClinVar aggregate classification (germline): Uncertain significance (1 of 4 stars; one submission).

Submission:

Women's Health and Genetics/Laboratory Corporation of America, LabCorp
Classification: Uncertain significance. Last evaluated: 2023-07-10. Review status: criteria provided, single submitter. Criteria: LabCorp Variant Classification Summary - May 2015. Collection method: clinical testing. Allele origin: germline.
Comment: Variant summary: DHDDS c.911_944del34 (p.Ser304CysfsX22) is predicted to cause truncation of the encoded protein, which is a commonly known mechanism of disease. Although the variant is not predicted to cause absence of the protein through nonsense mediate decay, this variant disrupts the last 30 amino acids in the protein sequence. The variant was absent in 251046 control chromosomes (gnomAD). To our knowledge, no occurrence of c.911_944del34 in individuals affected with Retinitis Pigmentosa 59 and no experimental evidence demonstrating its impact on protein function have been reported. No submitters have cited clinical-significance assessments for this variant to ClinVar after 2014. Based on the evidence outlined above, the variant was classified as uncertain significance.

NM_205861.3(DHDDS):c.908_941del (p.Ser303fs)

Gene: DHDDS (dehydrodolichyl diphosphate synthase subunit; plus strand). Cytogenetic location: 1p36.11.
Variant type: Deletion.
Coding change: c.908_941del on transcript NM_205861.3 (MANE Select); coding-DNA positions 908 to 941, 34 bases deleted.
Protein change: p.Ser303fs; shifts the reading frame from serine 303.
Molecular consequence: frameshift variant.
Genome position (GRCh38, 1-based): chr1:26,469,037-26,469,070, 34 bases deleted; deleting any 34 consecutive bases within chr1:26,469,035-26,469,070 gives the same sequence; the c. name uses the placement nearest the transcript's 3' end. GRCh37 (hg19): chr1:26,795,528-26,795,561.
Other names: c.806_839del, p.Ser269fs (NM_001243564.2); c.791_824del, p.Ser264fs (NM_001243565.2); c.629_662del, p.Ser210fs (NM_001319959.2); c.911_944del, p.Ser304fs (NM_024887.4); short protein forms S210fs, S264fs, S269fs, S303fs, S304fs.
Identifiers: ClinVar variation 2577160 (VCV002577160.1), dbSNP rs2524816772, ClinGen allele CA2580612924.